The following is an entry in ClinVar:

NM_000136.3(FANCC):c.631C>G (p.Pro211Ala)

Genes: AOPEP (aminopeptidase O (putative); plus strand), FANCC (FA complementation group C; minus strand). Cytogenetic location: 9q22.32.
Variant type: single nucleotide variant.
Coding change: c.631C>G on transcript NM_000136.3 (MANE Select); coding-DNA position 631, C replaced by G.
Protein change: p.Pro211Ala; replaces proline 211 with alanine.
Molecular consequence: missense variant.
Genome position (GRCh38, 1-based): chr9:95,149,978, G>C on the plus strand (C>G on the coding strand, the complement: FANCC is on the minus strand). VCF-style: chr9-95149978-G-C. GRCh37 (hg19) VCF-style: chr9-97912260-G-C.
Other names: c.631C>G, p.Pro211Ala (NM_001243743.2, NM_001243744.2); short protein forms P211A.
Identifiers: ClinVar variation 3848338 (VCV003848338.1).

ClinVar aggregate classification (germline): Uncertain significance (1 of 4 stars; one submission).

Conditions:
Hereditary cancer-predisposing syndrome. Also called: Hereditary neoplastic syndrome; Neoplastic Syndromes, Hereditary; Tumor predisposition; Hereditary Cancer Syndrome. Identifiers: Orphanet 140162, MedGen C0027672, MeSH D009386, MONDO:0015356.

Submission:

Ambry Genetics
Classification: Uncertain significance for Hereditary cancer-predisposing syndrome. Last evaluated: 2025-01-31. Review status: criteria provided, single submitter. Criteria: Ambry Variant Classification Scheme 2023. Collection method: clinical testing. Allele origin: germline.
Comment: The p.P211A variant (also known as c.631C>G), located in coding exon 6 of the FANCC gene, results from a C to G substitution at nucleotide position 631. The proline at codon 211 is replaced by alanine, an amino acid with highly similar properties. This amino acid position is conserved. In addition, this alteration is predicted to be tolerated by in silico analysis. Based on the available evidence, the clinical significance of this variant remains unclear.